The following is an entry in ClinVar:

ClinVar aggregate classification (germline): Benign. Review status: criteria provided, multiple submitters, no conflicts (2 of 4 stars). 15 submissions from 15 submitters: Benign (11). 4 of the submissions do not count toward it. Last evaluated 2026-02-04.

Conditions:
Sanfilippo syndrome. Also called: Sanfilippo disease; Mucopolysaccharidosis type 3; Mucopolysaccharidosis Type III. Identifiers: Orphanet 581, MedGen C0026706, MONDO:0018937.
Mucopolysaccharidosis, MPS-III-D (MPS3D). Also called: MPS III D; Mucopoly-saccharidosis type 3D; N-acetylglucosamine-6-sulfate sulfatase deficiency; MPS 3D; MUCOPOLYSACCHARIDOSIS, TYPE IIID; MPS IIID (Sanfilippo Syndrome Type D). Identifiers: Orphanet 581, Orphanet 79272, MedGen C0086650, MONDO:0009658, OMIM 252940.

Allele frequency attached by ClinVar (database versions not stated): ESP Exome Variant Server 0.69322; gnomAD 0.70681; 1000 Genomes Project 30x 0.76765; TOPMed 0.69991.
gnomAD v4.1: 882,971 of 1,443,948 alleles (61%); highest among the groups gnomAD compares: African/African-American, 91%; 277,416 homozygotes.

Submissions (15):

Labcorp Genetics (formerly Invitae), Labcorp
Classification: Benign for Mucopolysaccharidosis, MPS-III-D. Last evaluated: 2026-02-04. Review status: criteria provided, single submitter. Criteria: Invitae Variant Classification Sherloc (09022015). Collection method: clinical testing. Allele origin: germline.

Blueprint Genetics
Classification: Benign. Last evaluated: 2024-11-27. Review status: criteria provided, single submitter. Criteria: ACMG Guidelines, 2015. Collection method: clinical testing. Allele origin: germline.

Genome-Nilou Lab
Classification: Benign for Mucopolysaccharidosis, MPS-III-D. Last evaluated: 2021-08-10. Review status: criteria provided, single submitter. Criteria: ACMG Guidelines, 2015. Collection method: clinical testing. Allele origin: germline. Affected: no.

Pars Genome Lab
Classification: Benign for Mucopolysaccharidosis, MPS-III-D. Last evaluated: 2021-07-01. Review status: criteria provided, single submitter. Criteria: ACMG Guidelines, 2015. Collection method: clinical testing. Allele origin: germline. Affected: no.

Illumina Laboratory Services, Illumina
Classification: Benign for Mucopolysaccharidosis, MPS-III-D. Last evaluated: 2018-01-13. Review status: criteria provided, single submitter. Criteria: ICSL Variant Classification Criteria 13 December 2019. Collection method: clinical testing. Allele origin: germline.
Comment: This variant was observed in the ICSL laboratory as part of a predisposition screen in an ostensibly healthy population. It had not been previously curated by ICSL or reported in the Human Gene Mutation Database (HGMD: prior to June 1st, 2018), and was therefore a candidate for classification through an automated scoring system. Utilizing variant allele frequency, disease prevalence and penetrance estimates, and inheritance mode, an automated score was calculated to assess if this variant is too frequent to cause the disease. Based on the score and internal cut-off values, a variant classified as benign is not then subjected to further curation. The score for this variant resulted in a classification of benign for this disease.

Women's Health and Genetics/Laboratory Corporation of America, LabCorp
Classification: Benign. Last evaluated: 2016-12-04. Review status: criteria provided, single submitter. Criteria: LabCorp Variant Classification Summary - May 2015. Collection method: clinical testing. Allele origin: germline.
Comment: Variant summary: The c.198G>A (p.Pro66=) in GNS gene is a synonymous change that involves a non-conserved nucleotide. 5/5 programs in Alamut predict that this variant does not affect normal splicing, however no functional studies supporting this notion were published at the time of evaluation. The variant is present in the control population dataset of ExAC at a frequency of 0.0655 (75159/114750 chrs tested), indicating that it is an ancestral allele. The observed frequency exceeds the maximum expected allele frequency for a pathogenic GNS variant of 0.0011 suggesting that it is a benign polymorphism. The variant of interest has been reported as Benign by a reputable database/clinical laboratory. Taking together, based on the prevalence in general population the variant was classified as Benign.

Clinical Genetics DNA and cytogenetics Diagnostics Lab, Erasmus MC, Erasmus Medical Center
Classification: Benign for Mucopolysaccharidosis, MPS-III-D. Last evaluated: 2015-09-21. Review status: criteria provided, single submitter. Criteria: ACGS Guidelines, 2013. Collection method: clinical testing. Allele origin: germline. Affected: yes. Study: VKGL Data-share Consensus.

GeneDx
Classification: Benign. Last evaluated: 2015-03-03. Review status: criteria provided, single submitter. Criteria: GeneDx Variant Classification Process June 2021. Collection method: clinical testing. Allele origin: germline. Affected: yes.

Eurofins Ntd Llc (ga)
Classification: Benign. Last evaluated: 2014-06-03. Review status: criteria provided, single submitter. Criteria: EGL Classification Definitions 2015. Collection method: clinical testing. Allele origin: germline. Observed: 36 variant alleles, 19 heterozygotes, 17 homozygotes.

Breakthrough Genomics
Classification: Benign. Review status: criteria provided, single submitter. Criteria: ACMG Guidelines, 2015. Collection method: not provided. Allele origin: germline. Inheritance: Autosomal recessive inheritance. Affected: yes.

PreventionGenetics, part of Exact Sciences
Classification: Benign. Review status: criteria provided, single submitter. Criteria: ACMG Guidelines, 2015. Collection method: clinical testing. Allele origin: germline.

Natera, Inc.
Classification: Benign for Sanfilippo disease. Last evaluated: 2020-09-16. Review status: no assertion criteria provided. Collection method: clinical testing. Allele origin: germline. Not counted in ClinVar's aggregate classification.

Mayo Clinic Laboratories, Mayo Clinic
Classification: Benign. Last evaluated: 2015-10-20. Review status: no assertion criteria provided. Collection method: clinical testing. Allele origin: unknown. Not counted in ClinVar's aggregate classification.

Clinical Genetics, Academic Medical Center
Classification: Benign. Review status: no assertion criteria provided. Collection method: clinical testing. Allele origin: germline. Affected: yes. Study: VKGL Data-share Consensus. Not counted in ClinVar's aggregate classification.

Diagnostic Laboratory, Department of Genetics, University Medical Center Groningen
Classification: Benign for Mucopolysaccharidosis, MPS-III-D. Review status: no assertion criteria provided. Collection method: clinical testing. Allele origin: germline. Affected: yes. Study: VKGL Data-share Consensus. Not counted in ClinVar's aggregate classification.

NM_002076.4(GNS):c.198G>A (p.Pro66=)

Gene: GNS (glucosamine (N-acetyl)-6-sulfatase; minus strand). Cytogenetic location: 12q14.3.
Variant type: single nucleotide variant.
Coding change: c.198G>A on transcript NM_002076.4 (MANE Select); coding-DNA position 198, G replaced by A.
Protein change: p.Pro66=; no amino-acid change (proline 66 retained).
Molecular consequence: synonymous variant.
Genome position (GRCh38, 1-based): chr12:64,752,752, C>T on the plus strand (G>A on the coding strand, the complement: GNS is on the minus strand). VCF-style: chr12-64752752-C-T. GRCh37 (hg19) VCF-style: chr12-65146532-C-T.
Identifiers: ClinVar variation 94029 (VCV000094029.28), dbSNP rs1147096, ClinGen allele CA147549.
Genomic context (GRCh38, chr12:64,752,752, plus strand): 5'-ACTTACAGCACTGGAAAAAGTCATCCCCATCTCTCCGATGAGAGCTTTGGTTTTCTTTAG[C>T]GGTGTCTGTAAAAGTAAGTAATTATCCATTAAACAATTTCTTCCAATAAATTGAGACACA-3'
Protein context (NP_002067.1, residues 56-76): DQDEVLGGMT[Pro66=]LKKTKALIGE